The following is an entry in ClinVar:

ClinVar aggregate classification (germline): Pathogenic. Review status: criteria provided, multiple submitters, no conflicts (2 of 4 stars). 4 submissions from 4 submitters: Pathogenic (4). Last evaluated 2025-10-31.

Conditions:
KRIT1-related disorder. Also called: KRIT1-related disorders; KRIT1-related condition.
Cerebral cavernous malformation (CCM). Also called: Cavernous Hemangioma of Brain; CAVERNOUS ANGIOMA, FAMILIAL; CAVERNOUS ANGIOMATOUS MALFORMATIONS; CEREBRAL CAPILLARY MALFORMATIONS; Cerebral cavernous hemangioma (type); Cerebral cavernous malformations. Identifiers: Orphanet 221061, MedGen C2919945, MONDO:0000820, OMIM 116860, HP:0033522.

Submissions (4):

Labcorp Genetics (formerly Invitae), Labcorp
Classification: Pathogenic for Cerebral cavernous malformation. Last evaluated: 2025-10-31. Review status: criteria provided, single submitter. Criteria: Invitae Variant Classification Sherloc (09022015). Collection method: clinical testing. Allele origin: germline.
Comment: This sequence change creates a premature translational stop signal (p.Tyr635*) in the KRIT1 gene. It is expected to result in an absent or disrupted protein product. Loss-of-function variants in KRIT1 are known to be pathogenic (PMID: 10508515, 11222804, 12404106, 24689081). This variant is not present in population databases (gnomAD no frequency). This premature translational stop signal has been observed in individual(s) with cerebral cavernous malformations (PMID: 12404106). ClinVar contains an entry for this variant (Variation ID: 1683809). For these reasons, this variant has been classified as Pathogenic.

Blueprint Genetics
Classification: Pathogenic for KRIT1-related disorders. Last evaluated: 2024-08-05. Review status: criteria provided, single submitter. Criteria: ACMG Guidelines, 2015. Collection method: clinical testing. Allele origin: germline. Affected: yes. Observed: 2 variant alleles.

Victorian Clinical Genetics Services, Murdoch Childrens Research Institute
Classification: Pathogenic for Cerebral cavernous malformation. Last evaluated: 2023-07-17. Review status: criteria provided, single submitter. Criteria: ACMG Guidelines, 2015. Collection method: clinical testing. Allele origin: germline. Inheritance: Autosomal dominant inheritance. Affected: yes.
Comment: Based on the classification scheme VCGS_Germline_v1.3.4, this variant is classified as Pathogenic. Following criteria are met: 0102 - Loss of function is a known mechanism of disease in this gene and is associated with cavernous malformations of CNS and retina, cerebral cavernous malformations-1 (CCM) and hyperkeratotic cutaneous capillary-venous malformations associated with cerebral capillary malformations (MIM#116860). (I) 0107 - This gene is associated with autosomal dominant disease. (I) 0112 - The condition associated with this gene has incomplete penetrance. This has been reported for variants resulting in familial CCM (PMID: 16571644, OMIM). (I) 0115 - Variants in this gene are known to have variable expressivity. Intra and interfamilial variability has been reported for variants causing CCM (PMID: 29593473). (I) 0201 - Variant is predicted to cause nonsense-mediated decay (NMD) and loss of protein (premature termination codon is located at least 54 nucleotides upstream of the final exon-exon junction). (SP) 0251 - This variant is heterozygous. (I) 0301 - Variant is absent from gnomAD (both v2 and v3). (SP) 0701 - Other NMD variants comparable to the one identified in this case have very strong previous evidence for pathogenicity (DECIPHER). (SP) 0802 - This variant has moderate previous evidence of pathogenicity in unrelated individuals. This variant has been reported as pathogenic in ClinVar. Additionally, two different nucleotide changes resulting in the same predicted protein outcome, c.1904dup; p.(Tyr635*) and c.1905T>G, p.(Tyr635*), have been reported in affected individuals with CCM (PMID: 24466005, PMID: 12404106). (SP) 1007 - No published functional evidence has been identified for this variant. (I) 1102 - Strong phenotype match for this individual. (SP) 1208 - Inheritance information for this variant is not currently available in this individual. (I) Legend: (SP) - Supporting pathogenic, (I) - Information, (SB) - Supporting benign

GeneDx
Classification: Pathogenic. Last evaluated: 2022-04-27. Review status: criteria provided, single submitter. Criteria: GeneDx Variant Classification Process June 2021. Collection method: clinical testing. Allele origin: germline. Affected: yes.
Comment: Nonsense variant predicted to result in protein truncation or nonsense mediated decay in a gene for which loss-of-function is a known mechanism of disease; Not observed in large population cohorts (gnomAD); Has not been previously published as pathogenic or benign to our knowledge

Literature cited by the submitters: PubMed 10508515 (cited by Labcorp Genetics (formerly Invitae), Labcorp); PubMed 11222804 (cited by Labcorp Genetics (formerly Invitae), Labcorp); PubMed 12404106 (cited by Labcorp Genetics (formerly Invitae), Labcorp and Victorian Clinical Genetics Services, Murdoch Childrens Research Institute); PubMed 24689081 (cited by Labcorp Genetics (formerly Invitae), Labcorp); PubMed 16571644 (cited by Victorian Clinical Genetics Services, Murdoch Childrens Research Institute); PubMed 24466005 (cited by Victorian Clinical Genetics Services, Murdoch Childrens Research Institute); PubMed 29593473 (cited by Victorian Clinical Genetics Services, Murdoch Childrens Research Institute).

NM_194454.3(KRIT1):c.1905T>A (p.Tyr635Ter)

Gene: KRIT1 (KRIT1 ankyrin repeat containing; minus strand). Cytogenetic location: 7q21.2.
Variant type: single nucleotide variant.
Coding change: c.1905T>A on transcript NM_194454.3 (MANE Select); coding-DNA position 1905, T replaced by A.
Protein change: p.Tyr635Ter; replaces tyrosine 635 with a stop codon.
Molecular consequence: nonsense.
Genome position (GRCh38, 1-based): chr7:92,213,315, A>T on the plus strand (T>A on the coding strand, the complement: KRIT1 is on the minus strand). VCF-style: chr7-92213315-A-T. GRCh37 (hg19) VCF-style: chr7-91842629-A-T.
Other names: c.1905T>A (NM_194454.2); c.1761T>A, p.Tyr587Ter (NM_001013406.2, NM_001350669.1, NM_001350670.1); c.1191T>A, p.Tyr397Ter (NM_001350671.1); c.1905T>A, p.Tyr635Ter (NM_001350672.1, NM_001350673.1, NM_001350674.1 and 26 more transcripts); short protein forms Y397*, Y587*, Y635*.
Identifiers: ClinVar variation 1683809 (VCV001683809.6), dbSNP rs140072597, ClinGen allele CA368139974.
Genomic context (GRCh38, chr7:92,213,315, plus strand): 5'-GACTTTATGATTGCTGGGGCTTGCCTTTGTAAATATCTGTCCTGTGAAAAATGCTGCTCC[A>T]TAAGTAGGAATTTCCCAGCAATTCTGTAAGAACATGCGCTGAAGGTGATGCATTTCTTTA-3'